The following is an entry in ClinVar:

NM_000744.7(CHRNA4):c.1582C>T (p.Pro528Ser)

Gene: CHRNA4 (cholinergic receptor nicotinic alpha 4 subunit; minus strand). Cytogenetic location: 20q13.33.
Variant type: single nucleotide variant.
Coding change: c.1582C>T on transcript NM_000744.7 (MANE Select); coding-DNA position 1582, C replaced by T.
Protein change: p.Pro528Ser; replaces proline 528 with serine.
Molecular consequence: missense variant. On other transcripts: non-coding transcript variant (1).
Genome position (GRCh38, 1-based): chr20:63,349,829, G>A on the plus strand (C>T on the coding strand, the complement: CHRNA4 is on the minus strand). VCF-style: chr20-63349829-G-A. GRCh37 (hg19) VCF-style: chr20-61981181-G-A.
Other names: c.1582C>T (NM_000744.5); c.1054C>T, p.Pro352Ser (NM_001256573.2); short protein forms P352S, P528S.
Identifiers: ClinVar variation 1130654 (VCV001130654.10), dbSNP rs1353802225, ClinGen allele CA409632849.

ClinVar aggregate classification (germline): Conflicting classifications of pathogenicity. Review status: criteria provided, conflicting classifications (1 of 4 stars). 2 submissions from 2 submitters: Uncertain significance (1); Likely benign (1). Last evaluated 2024-06-17.

Conditions:
Familial sleep-related hypermotor epilepsy. Also called: Autosomal Dominant Sleep-Related Hypermotor (Hyperkinetic) Epilepsy. Identifiers: Orphanet 98784, MedGen C3696898, MONDO:0000030.

Allele frequency attached by ClinVar (database versions not stated): gnomAD exomes below 0.00001.
gnomAD v4.1: 2 of 1,599,290 alleles (0.00013%); highest among the groups gnomAD compares: Non-Finnish European, 0.00017%; no homozygotes.

Submissions (2):

Labcorp Genetics (formerly Invitae), Labcorp
Classification: Likely benign. Last evaluated: 2024-06-17. Review status: criteria provided, single submitter. Criteria: Invitae Variant Classification Sherloc (09022015). Collection method: clinical testing. Allele origin: germline.

GeneDx
Classification: Uncertain significance. Last evaluated: 2024-04-16. Review status: criteria provided, single submitter. Criteria: GeneDx Variant Classification Process June 2021. Collection method: clinical testing. Allele origin: germline. Affected: yes.
Comment: Not observed at significant frequency in large population cohorts (gnomAD); In silico analysis indicates that this missense variant does not alter protein structure/function; Has not been previously published as pathogenic or benign to our knowledge